The following is an entry in ClinVar:

NM_198525.3(KIF7):c.2132G>A (p.Arg711Gln)

Gene: KIF7 (kinesin family member 7; minus strand). Cytogenetic location: 15q26.1.
Variant type: single nucleotide variant.
Coding change: c.2132G>A on transcript NM_198525.3 (MANE Select); coding-DNA position 2132, G replaced by A.
Protein change: p.Arg711Gln; replaces arginine 711 with glutamine.
Molecular consequence: missense variant.
Genome position (GRCh38, 1-based): chr15:89,645,072, C>T on the plus strand (G>A on the coding strand, the complement: KIF7 is on the minus strand). VCF-style: chr15-89645072-C-T. GRCh37 (hg19) VCF-style: chr15-90188303-C-T.
Other names: short protein forms R711Q.
Identifiers: ClinVar variation 887227 (VCV000887227.10), dbSNP rs368873919, ClinGen allele CA7728321.

ClinVar aggregate classification (germline): Uncertain significance. Review status: criteria provided, multiple submitters, no conflicts (2 of 4 stars). 3 submissions from 3 submitters: Uncertain significance (3). Last evaluated 2024-08-05.

Conditions:
Hydrolethalus syndrome 2 (HLS2). Identifiers: Orphanet 2189, MedGen C3279899, MONDO:0013585, OMIM 614120.
Acrocallosal syndrome (ACLS). Also called: HALLUX DUPLICATION, POSTAXIAL POLYDACTYLY, AND ABSENCE OF CORPUS CALLOSUM; Schinzel syndrome 1; Absence of corpus callosum with unusual facial appearance, mental deficiency, duplication of the halluces and polydactyly. Identifiers: Orphanet 36, MedGen C0796147, MONDO:0008708, OMIM 200990.
Multiple epiphyseal dysplasia, Al-Gazali type. Also called: Macrocephaly with multiple epiphyseal dysplasia and distinctive facies. Identifiers: Orphanet 166024, MedGen C1846722, MONDO:0011778, OMIM 607131.

Allele frequency attached by ClinVar (database versions not stated): gnomAD 0.00001; gnomAD exomes 0.00001; TOPMed 0.00002.
gnomAD v4.1: 21 of 1,605,274 alleles (0.0013%); highest among the groups gnomAD compares: Middle Eastern, 0.017%; no homozygotes.

Submissions (3):

Labcorp Genetics (formerly Invitae), Labcorp
Classification: Uncertain significance for Acrocallosal syndrome. Last evaluated: 2024-08-05. Review status: criteria provided, single submitter. Criteria: Invitae Variant Classification Sherloc (09022015). Collection method: clinical testing. Allele origin: germline.
Comment: This sequence change replaces arginine, which is basic and polar, with glutamine, which is neutral and polar, at codon 711 of the KIF7 protein (p.Arg711Gln). This variant is present in population databases (rs368873919, gnomAD 0.01%). This variant has not been reported in the literature in individuals affected with KIF7-related conditions. ClinVar contains an entry for this variant (Variation ID: 887227). Advanced modeling of protein sequence and biophysical properties (such as structural, functional, and spatial information, amino acid conservation, physicochemical variation, residue mobility, and thermodynamic stability) performed at Invitae indicates that this missense variant is not expected to disrupt KIF7 protein function with a negative predictive value of 80%. In summary, the available evidence is currently insufficient to determine the role of this variant in disease. Therefore, it has been classified as a Variant of Uncertain Significance.

Fulgent Genetics
Classification: Uncertain significance for Acrocallosal syndrome; Multiple epiphyseal dysplasia, Al-Gazali type; Hydrolethalus syndrome 2. Last evaluated: 2024-03-07. Review status: criteria provided, single submitter. Criteria: ACMG Guidelines, 2015. Collection method: clinical testing. Allele origin: germline.

Illumina Laboratory Services, Illumina
Classification: Uncertain significance for Acrocallosal syndrome. Last evaluated: 2018-01-13. Review status: criteria provided, single submitter. Criteria: ICSL Variant Classification Criteria 13 December 2019. Collection method: clinical testing. Allele origin: germline.